The following is an entry in ClinVar:

ClinVar aggregate classification (germline): Uncertain significance. Review status: criteria provided, multiple submitters, no conflicts (2 of 4 stars). 2 submissions from 2 submitters: Uncertain significance (2). Last evaluated 2024-10-03.

Conditions:
Inborn genetic diseases. Identifiers: MedGen C0950123, MeSH D030342.

gnomAD v4.1: 3 of 1,534,802 alleles (0.0002%); highest among the groups gnomAD compares: Non-Finnish European, 0.00026%; no homozygotes.

Submissions (2):

Ambry Genetics
Classification: Uncertain significance for Inborn genetic diseases. Last evaluated: 2024-10-03. Review status: criteria provided, single submitter. Criteria: Ambry Variant Classification Scheme 2023. Collection method: clinical testing. Allele origin: germline.

Labcorp Genetics (formerly Invitae), Labcorp
Classification: Uncertain significance. Last evaluated: 2022-06-28. Review status: criteria provided, single submitter. Criteria: Invitae Variant Classification Sherloc (09022015). Collection method: clinical testing. Allele origin: germline.
Comment: This sequence change replaces serine, which is neutral and polar, with threonine, which is neutral and polar, at codon 315 of the PCYT1A protein (p.Ser315Thr). This variant is not present in population databases (gnomAD no frequency). This variant has not been reported in the literature in individuals affected with PCYT1A-related conditions. ClinVar contains an entry for this variant (Variation ID: 1001087). Advanced modeling of protein sequence and biophysical properties (such as structural, functional, and spatial information, amino acid conservation, physicochemical variation, residue mobility, and thermodynamic stability) performed at Invitae indicates that this missense variant is not expected to disrupt PCYT1A protein function. In summary, the available evidence is currently insufficient to determine the role of this variant in disease. Therefore, it has been classified as a Variant of Uncertain Significance.

NM_001312673.2(PCYT1A):c.944G>C (p.Ser315Thr)

Gene: PCYT1A (phosphate cytidylyltransferase 1A, choline; minus strand). Cytogenetic location: 3q29.
Variant type: single nucleotide variant.
Coding change: c.944G>C on transcript NM_001312673.2 (MANE Select); coding-DNA position 944, G replaced by C.
Protein change: p.Ser315Thr; replaces serine 315 with threonine.
Molecular consequence: missense variant.
Genome position (GRCh38, 1-based): chr3:196,238,848, C>G on the plus strand (G>C on the coding strand, the complement: PCYT1A is on the minus strand). VCF-style: chr3-196238848-C-G. GRCh37 (hg19) VCF-style: chr3-195965719-C-G.
Other names: c.944G>C, p.Ser315Thr (NM_005017.4); c.944G>C (NM_005017.2); short protein forms S315T.
Identifiers: ClinVar variation 1001087 (VCV001001087.3), dbSNP rs1305786964, ClinGen allele CA355608006.
Genomic context (GRCh38, chr3:196,238,848, plus strand): 5'-CGGAAAGAGGGGGAGGGGGAGCGCTCGCGAGTAGGGCTGCTGCTGGGGCTCTGCTTCGGG[C>G]TGATGGCCTGCAGCATCCGGCCCTTCCCCTCTTTCAGCATATGTTTCTGCAGAAACCGAA-3'
Protein context (NP_001299602.1, residues 305-325): EGKGRMLQAI[Ser315Thr]PKQSPSSSPT